The following is an entry in ClinVar:

ClinVar aggregate classification (germline): Uncertain significance (1 of 4 stars; one submission).

Conditions:
Familial cold autoinflammatory syndrome 2 (FCAS2). Identifiers: Orphanet 247868, MedGen C2673198, MONDO:0012724, OMIM 611762.

Submission:

Labcorp Genetics (formerly Invitae), Labcorp
Classification: Uncertain significance for Familial cold autoinflammatory syndrome 2. Last evaluated: 2025-12-18. Review status: criteria provided, single submitter. Criteria: Invitae Variant Classification Sherloc (09022015). Collection method: clinical testing. Allele origin: germline.
Comment: This sequence change creates a premature translational stop signal (p.Ser167*) in the NLRP12 gene. It is expected to result in an absent or disrupted protein product. However, the current clinical and genetic evidence is not sufficient to establish whether loss-of-function variants in NLRP12 cause disease. This variant is not present in population databases (gnomAD no frequency). This variant has not been reported in the literature in individuals affected with NLRP12-related conditions. In summary, the available evidence is currently insufficient to determine the role of this variant in disease. Therefore, it has been classified as a Variant of Uncertain Significance.

NM_144687.4(NLRP12):c.500C>G (p.Ser167Ter)

Gene: NLRP12 (NLR family pyrin domain containing 12; minus strand). Cytogenetic location: 19q13.42.
Variant type: single nucleotide variant.
Coding change: c.500C>G on transcript NM_144687.4 (MANE Select); coding-DNA position 500, C replaced by G.
Protein change: p.Ser167Ter; replaces serine 167 with a stop codon.
Molecular consequence: nonsense.
Genome position (GRCh38, 1-based): chr19:53,811,159, G>C on the plus strand (C>G on the coding strand, the complement: NLRP12 is on the minus strand). VCF-style: chr19-53811159-G-C. GRCh37 (hg19) VCF-style: chr19-54314413-G-C.
Other names: c.500C>G, p.Ser167Ter (NM_001277126.2, NM_001277129.1); short protein forms S167*.
Identifiers: ClinVar variation 4711399 (VCV004711399.1).
Genomic context (GRCh38, chr19:53,811,159, plus strand): 5'-ACGGTCCTCGCGTGTCCCCGGCCTGTGTCCAGAAGCTGCTGCTGGACCTGCATGGGGTTT[G>C]AGTGCTCCTTCACCAGCAGGAGCCGGGTGTACCGGTGGCTGAGGTTGACACATTCCCCTA-3'